The following is an entry in ClinVar:

ClinVar aggregate classification (germline): Uncertain significance (1 of 4 stars; one submission).

Conditions:
Lynch syndrome. Identifiers: Orphanet 144, MedGen C4552100, MONDO:0005835. Disease mechanism: loss of function.

Submission:

All of Us Research Program, National Institutes of Health
Classification: Uncertain significance for Lynch syndrome. Last evaluated: 2024-03-24. Review status: criteria provided, single submitter. Criteria: ACMG Guidelines, 2015. Collection method: clinical testing. Allele origin: germline. Inheritance: Autosomal dominant inheritance. Observed: 1 variant allele, 1 heterozygote.
Comment: This variant causes a deletion of one nucleotide at the -3 position in intron 5 of the PMS2 gene. Splice site prediction tools predict that this variant may have a significant impact on RNA splicing, although this prediction has not been confirmed in published RNA studies. To our knowledge, functional studies have not been reported for this variant. This variant has not been reported in individuals affected with PMS2-related disorders in the literature. This variant has not been identified in the general population by the Genome Aggregation Database (gnomAD). The available evidence is insufficient to determine the role of this variant in disease conclusively. Therefore, this variant is classified as a Variant of Uncertain Significance.

This study involves interpretation of variants in research participants for the purpose of population health screening. Participant phenotype was not available at the time of variant classification. Additional details can be found in publication PMID: 35346344, PMCID: PMC8962531

NM_000535.7(PMS2):c.538-3del

Gene: PMS2 (PMS1 homolog 2, mismatch repair system component; minus strand). Cytogenetic location: 7p22.1.
Variant type: Deletion.
Coding change: c.538-3del on transcript NM_000535.7 (MANE Select); 3 bases into the intron before coding-DNA position 538, one base deleted (C; older notation c.538-3delC).
Molecular consequence: intron variant.
Genome position (GRCh38, 1-based): chr7:5,999,278, G deleted on the plus strand (C on the coding strand, the reverse complement: PMS2 is on the minus strand). VCF-style (leftmost placement, unchanged base first): chr7-5999277-TG-T. GRCh37 (hg19) VCF-style: chr7-6038908-TG-T.
Other names: c.220-3del (NM_001322008.2, NM_001406902.1, NM_001406883.1 and 4 more transcripts); c.229-3del (NM_001406881.1, NM_001406879.1, NM_001322015.2 and 6 more transcripts); c.133-3del (NM_001406895.1, NM_001322010.2, NM_001322004.2 and 21 more transcripts); c.132+3175del (NM_001406911.1); c.133-1855del (NM_001322013.2, NM_001406909.1); c.-347-52del (NM_001322012.2, NM_001322011.2); c.251-52del (NM_001406885.1); c.537+3175del (NM_001406886.1); and 4 more.
Identifiers: ClinVar variation 3387518 (VCV003387518.1).